The following is an entry in ClinVar:

ClinVar aggregate classification (germline): Uncertain significance. Review status: criteria provided, single submitter (1 of 4 stars). 2 submissions from 2 submitters: Uncertain significance (1). 1 of the submissions does not count toward it. Last evaluated 2025-10-07.

Conditions:
Cardiovascular phenotype. Identifiers: MedGen CN230736.
ABCG8-related disorder. Also called: ABCG8-related condition.

Allele frequency attached by ClinVar (database versions not stated): gnomAD exomes below 0.00001; TOPMed 0.00002.
gnomAD v4.1: 2 of 1,614,170 alleles (0.00012%); highest among the groups gnomAD compares: African/African-American, 0.0027%; no homozygotes.

Submissions (2):

Ambry Genetics
Classification: Uncertain significance for Cardiovascular phenotype. Last evaluated: 2025-10-07. Review status: criteria provided, single submitter. Criteria: Ambry Variant Classification Scheme 2023. Collection method: clinical testing. Allele origin: germline.

PreventionGenetics, part of Exact Sciences
Classification: Uncertain significance for ABCG8-related condition. Last evaluated: 2024-01-11. Review status: no assertion criteria provided. Collection method: clinical testing. Allele origin: germline. Not counted in ClinVar's aggregate classification.
Comment: The ABCG8 c.1694C>T variant is predicted to result in the amino acid substitution p.Ala565Val. To our knowledge, this variant has not been reported in the literature. This variant is reported in 0.012% of alleles in individuals of African descent in gnomAD. At this time, the clinical significance of this variant is uncertain due to the absence of conclusive functional and genetic evidence.

NM_022437.3(ABCG8):c.1694C>T (p.Ala565Val)

Gene: ABCG8 (ATP binding cassette subfamily G member 8; plus strand). Cytogenetic location: 2p21.
Variant type: single nucleotide variant.
Coding change: c.1694C>T on transcript NM_022437.3 (MANE Select); coding-DNA position 1694, C replaced by T.
Protein change: p.Ala565Val; replaces alanine 565 with valine.
Molecular consequence: missense variant.
Genome position (GRCh38, 1-based): chr2:43,875,351, C>T. VCF-style: chr2-43875351-C-T. GRCh37 (hg19) VCF-style: chr2-44102490-C-T.
Other names: c.1691C>T, p.Ala564Val (NM_001357321.2); short protein forms A564V, A565V.
Identifiers: ClinVar variation 3045656 (VCV003045656.4), dbSNP rs200919814, ClinGen allele CA346670608.